The following is an entry in ClinVar:

ClinVar aggregate classification (germline): Uncertain significance (1 of 4 stars; one submission).

Submission:

Labcorp Genetics (formerly Invitae), Labcorp
Classification: Uncertain significance. Last evaluated: 2024-05-21. Review status: criteria provided, single submitter. Criteria: Invitae Variant Classification Sherloc (09022015). Collection method: clinical testing. Allele origin: germline.
Comment: This sequence change replaces lysine, which is basic and polar, with arginine, which is basic and polar, at codon 575 of the NSD1 protein (p.Lys575Arg). This variant is not present in population databases (gnomAD no frequency). This variant has not been reported in the literature in individuals affected with NSD1-related conditions. Advanced modeling of protein sequence and biophysical properties (such as structural, functional, and spatial information, amino acid conservation, physicochemical variation, residue mobility, and thermodynamic stability) performed at Invitae indicates that this missense variant is not expected to disrupt NSD1 protein function with a negative predictive value of 95%. In summary, the available evidence is currently insufficient to determine the role of this variant in disease. Therefore, it has been classified as a Variant of Uncertain Significance.

NM_022455.5(NSD1):c.1724A>G (p.Lys575Arg)

Gene: NSD1 (nuclear receptor binding SET domain protein 1; plus strand). Cytogenetic location: 5q35.3.
Variant type: single nucleotide variant.
Coding change: c.1724A>G on transcript NM_022455.5 (MANE Select); coding-DNA position 1724, A replaced by G.
Protein change: p.Lys575Arg; replaces lysine 575 with arginine.
Molecular consequence: missense variant.
Genome position (GRCh38, 1-based): chr5:177,210,123, A>G. VCF-style: chr5-177210123-A-G. GRCh37 (hg19) VCF-style: chr5-176637124-A-G.
Other names: c.1724A>G, p.Lys575Arg (NM_001409303.1, NM_001409301.1, NM_001409302.1); c.1304A>G, p.Lys435Arg (NM_001409304.1); c.971A>G, p.Lys324Arg (NM_001409305.1); c.851A>G, p.Lys284Arg (NM_001409306.1, NM_001409307.1, NM_001409308.1 and 3 more transcripts); short protein forms K324R, K435R, K284R, K575R.
Identifiers: ClinVar variation 3690664 (VCV003690664.2).